The following is an entry in ClinVar:

ClinVar aggregate classification (germline): Uncertain significance (1 of 4 stars; one submission).

gnomAD v4.1: 17 of 1,612,426 alleles (0.0011%); highest among the groups gnomAD compares: Non-Finnish European, 0.0011%; no homozygotes.

Submission:

Labcorp Genetics (formerly Invitae), Labcorp
Classification: Uncertain significance. Last evaluated: 2025-11-05. Review status: criteria provided, single submitter. Criteria: Invitae Variant Classification Sherloc (09022015). Collection method: clinical testing. Allele origin: germline.
Comment: This sequence change replaces threonine, which is neutral and polar, with alanine, which is neutral and non-polar, at codon 28 of the ATR protein (p.Thr28Ala). This variant is present in population databases (rs776647351, gnomAD 0.002%). This variant has not been reported in the literature in individuals affected with ATR-related conditions. An algorithm developed to predict the effect of missense changes on protein structure and function outputs the following: PolyPhen-2: "Benign". The alanine amino acid residue is found in multiple mammalian species, which suggests that this missense change does not adversely affect protein function. In summary, the available evidence is currently insufficient to determine the role of this variant in disease. Therefore, it has been classified as a Variant of Uncertain Significance.

NM_001184.4(ATR):c.82A>G (p.Thr28Ala)

Gene: ATR (ATR checkpoint kinase; minus strand). Cytogenetic location: 3q23.
Variant type: single nucleotide variant.
Coding change: c.82A>G on transcript NM_001184.4 (MANE Select); coding-DNA position 82, A replaced by G.
Protein change: p.Thr28Ala; replaces threonine 28 with alanine.
Molecular consequence: missense variant.
Genome position (GRCh38, 1-based): chr3:142,568,132, T>C on the plus strand (A>G on the coding strand, the complement: ATR is on the minus strand). VCF-style: chr3-142568132-T-C. GRCh37 (hg19) VCF-style: chr3-142286974-T-C.
Other names: c.82A>G, p.Thr28Ala (NM_001354579.2); short protein forms T28A.
Identifiers: ClinVar variation 4697504 (VCV004697504.1).